The following is an entry in ClinVar:

NM_024753.5(TTC21B):c.3684+2T>C

Gene: TTC21B (tetratricopeptide repeat domain 21B; minus strand). Cytogenetic location: 2q24.3.
Variant type: single nucleotide variant.
Coding change: c.3684+2T>C on transcript NM_024753.5 (MANE Select); the canonical splice donor site of the intron after coding-DNA position 3684, T replaced by C.
Molecular consequence: splice donor variant.
Genome position (GRCh38, 1-based): chr2:165,883,792, A>G on the plus strand (T>C on the coding strand, the complement: TTC21B is on the minus strand). VCF-style: chr2-165883792-A-G. GRCh37 (hg19) VCF-style: chr2-166740302-A-G.
Other names: c.3684+2T>C (NM_024753.4).
Identifiers: ClinVar variation 4957321 (VCV004957321.2).

ClinVar aggregate classification (germline): Likely pathogenic. Review status: criteria provided, multiple submitters, no conflicts (2 of 4 stars). 2 submissions from 2 submitters: Likely pathogenic (2). Last evaluated 2025-09-26.

Conditions:
TTC21B-related disorder. Also called: TTC21B-related condition; TTC21B-related disorders.

gnomAD v4.1: 15 of 1,609,874 alleles (0.00093%); highest among the groups gnomAD compares: Middle Eastern, 0.017%; no homozygotes.

Submissions (2):

PreventionGenetics, part of Exact Sciences
Classification: Likely pathogenic for TTC21B-related condition. Last evaluated: 2025-09-26. Review status: criteria provided, single submitter. Criteria: ACMG Guidelines, 2015. Collection method: clinical testing. Allele origin: germline.
Comment: The TTC21B c.3684+2T>C variant is predicted to disrupt the GT donor site and interfere with normal splicing. This variant has been reported in the heterozygous state in an individual with end stage renal failure (Table 4, Topak et al. 2023. PubMed ID: 37078890). This variant is reported in 0.0018% of alleles in individuals of European (Non-Finnish) descent in gnomAD. Variants that disrupt the consensus splice donor site in TTC21B are expected to be pathogenic. This variant is interpreted as likely pathogenic.

Blueprint Genetics
Classification: Likely pathogenic for TTC21B-related disorders. Last evaluated: 2021-12-16. Review status: criteria provided, single submitter. Criteria: ACMG Guidelines, 2015. Collection method: clinical testing. Allele origin: germline. Affected: yes. Observed: 2 variant alleles.